The following is an entry in ClinVar:

NC_000012.12:g.121641560G>A

Gene: ORAI1 (ORAI calcium release-activated calcium modulator 1; plus strand). Cytogenetic location: 12q24.31.
Variant type: single nucleotide variant.
Genome position: GRCh38 VCF-style: chr12-121641560-G-A. GRCh37 (hg19) VCF-style: chr12-122079466-G-A.
Other names: c.823G>A, p.Glu275Lys (NM_032790.4); short protein forms E275K.
Identifiers: ClinVar variation 863239 (VCV000863239.11), dbSNP rs368440417, ClinGen allele CA6837576.

ClinVar aggregate classification (germline): Uncertain significance. Review status: criteria provided, multiple submitters, no conflicts (2 of 4 stars). 2 submissions from 2 submitters: Uncertain significance (2). Last evaluated 2025-12-22.

Conditions:
Combined immunodeficiency due to ORAI1 deficiency. Also called: IMMUNODEFICIENCY 9. Identifiers: Orphanet 169090, Orphanet 317428, MedGen C2748568, MONDO:0013007, OMIM 612782.
Myopathy, tubular aggregate, 2 (TAM2). Identifiers: MedGen C4014557, MONDO:0014383, OMIM 615883.

Allele frequency attached by ClinVar (database versions not stated): ExAC 0.00002; gnomAD 0.00002; gnomAD exomes 0.00002; TOPMed 0.00004; ESP Exome Variant Server 0.00008.

Submissions (2):

Labcorp Genetics (formerly Invitae), Labcorp
Classification: Uncertain significance for Myopathy, tubular aggregate, 2; Combined immunodeficiency due to ORAI1 deficiency. Last evaluated: 2025-12-22. Review status: criteria provided, single submitter. Criteria: Invitae Variant Classification Sherloc (09022015). Collection method: clinical testing. Allele origin: germline.
Comment: This sequence change replaces glutamic acid, which is acidic and polar, with lysine, which is basic and polar, at codon 275 of the ORAI1 protein (p.Glu275Lys). This variant is present in population databases (rs368440417, gnomAD 0.007%). This variant has not been reported in the literature in individuals affected with ORAI1-related conditions. ClinVar contains an entry for this variant (Variation ID: 863239). Experimental studies and prediction algorithms are not available or were not evaluated, and the functional significance of this variant is currently unknown. In summary, the available evidence is currently insufficient to determine the role of this variant in disease. Therefore, it has been classified as a Variant of Uncertain Significance.

Blueprint Genetics
Classification: Uncertain significance. Last evaluated: 2024-10-14. Review status: criteria provided, single submitter. Criteria: ACMG Guidelines, 2015. Collection method: clinical testing. Allele origin: germline.